The following is an entry in ClinVar:

NM_000179.3(MSH6):c.3600A>T (p.Ile1200=)

Gene: MSH6 (mutS homolog 6; plus strand). Cytogenetic location: 2p16.3.
Variant type: single nucleotide variant.
Coding change: c.3600A>T on transcript NM_000179.3 (MANE Select); coding-DNA position 3600, A replaced by T.
Protein change: p.Ile1200=; no amino-acid change (isoleucine 1200 retained).
Molecular consequence: synonymous variant. On other transcripts: non-coding transcript variant (5).
Genome position (GRCh38, 1-based): chr2:47,805,661, A>T. VCF-style: chr2-47805661-A-T. GRCh37 (hg19) VCF-style: chr2-48032800-A-T.
Other names: c.3210A>T, p.Ile1070= (NM_001281492.2); c.2694A>T, p.Ile898= (NM_001281493.2, NM_001281494.2, NM_001406811.1 and 6 more transcripts); c.3696A>T, p.Ile1232= (NM_001406795.1, NM_001406802.1); c.3600A>T, p.Ile1200= (NM_001406796.1, NM_001406800.1, NM_001406808.1 and 1 more transcripts); c.3303A>T, p.Ile1101= (NM_001406797.1, NM_001406801.1, NM_001406805.1 and 10 more transcripts); c.3426A>T, p.Ile1142= (NM_001406798.1); c.3075A>T, p.Ile1025= (NM_001406799.1, NM_001406806.1, NM_001406807.1); c.2736A>T, p.Ile912= (NM_001406803.1); and 7 more.
Identifiers: ClinVar variation 3903455 (VCV003903455.1).

ClinVar aggregate classification (germline): Benign (1 of 4 stars; one submission).

Conditions:
Lynch syndrome 5 (LYNCH5). Also called: Colorectal cancer, hereditary nonpolyposis, type 5; Hereditary non-polyposis colorectal cancer, type 5. Identifiers: Orphanet 144, MedGen C1833477, MONDO:0013710, OMIM 614350. Disease mechanism: loss of function.

gnomAD v4.1: 1 of 1,613,714 alleles (0.000062%); highest among the groups gnomAD compares: Non-Finnish European, 0.000085%; no homozygotes.

Submission:

Myriad Genetics, Inc.
Classification: Benign for Lynch syndrome 5. Last evaluated: 2025-01-07. Review status: criteria provided, single submitter. Criteria: Myriad Autosomal Dominant, Autosomal Recessive and X-Linked Classification Criteria (2023). Collection method: clinical testing. Allele origin: unknown.
Comment: This variant is considered benign. This variant is a silent/synonymous amino acid change and it is not expected to impact splicing.